The following is an entry in ClinVar:

NM_024817.3(THSD4):c.3035C>T (p.Thr1012Met)

Gene: THSD4 (thrombospondin type 1 domain containing 4; plus strand). Cytogenetic location: 15q23.
Variant type: single nucleotide variant.
Coding change: c.3035C>T on transcript NM_024817.3 (MANE Select); coding-DNA position 3035, C replaced by T.
Protein change: p.Thr1012Met; replaces threonine 1012 with methionine.
Molecular consequence: missense variant.
Genome position (GRCh38, 1-based): chr15:71,777,352, C>T. VCF-style: chr15-71777352-C-T. GRCh37 (hg19) VCF-style: chr15-72069691-C-T.
Other names: c.3035C>T (NM_024817.2); c.1955C>T, p.Thr652Met (NM_001286429.2); c.3035C>T, p.Thr1012Met (NM_001394532.1); short protein forms T1012M, T652M.
Identifiers: ClinVar variation 2645506 (VCV002645506.25), dbSNP rs137930251, ClinGen allele CA7640116.

ClinVar aggregate classification (germline): Likely benign. Review status: criteria provided, single submitter (1 of 4 stars). 2 submissions from 2 submitters: Likely benign (1). 1 of the submissions does not count toward it. Last evaluated 2026-03-01.

Conditions:
THSD4-related disorder. Also called: THSD4-related condition.

Allele frequency attached by ClinVar (database versions not stated): ExAC 0.00048; ESP Exome Variant Server 0.00112; 1000 Genomes Project 0.00280; 1000 Genomes Project 30x 0.00281.
gnomAD v4.1: 346 of 1,614,104 alleles (0.021%); highest among the groups gnomAD compares: African/African-American, 0.33%; 2 homozygotes.

Submissions (2):

CeGaT Center for Human Genetics Tuebingen
Classification: Likely benign. Last evaluated: 2026-03-01. Review status: criteria provided, single submitter. Criteria: CeGaT Center For Human Genetics Tuebingen Variant Classification Criteria Version 2. Collection method: clinical testing. Allele origin: germline. Affected: yes. Observed: 3 variant alleles.
Comment: THSD4: BP4, BS1

PreventionGenetics, part of Exact Sciences
Classification: Likely benign for THSD4-related condition. Last evaluated: 2022-12-27. Review status: no assertion criteria provided. Collection method: clinical testing. Allele origin: germline. Not counted in ClinVar's aggregate classification.
Comment: This variant is classified as likely benign based on ACMG/AMP sequence variant interpretation guidelines (Richards et al. 2015 PMID: 25741868, with internal and published modifications).